The following is an entry in ClinVar:

NM_001371986.1(UNC80):c.6927C>G (p.Asp2309Glu)

Gene: UNC80 (unc-80 subunit of NALCN channel complex; plus strand). Cytogenetic location: 2q34.
Variant type: single nucleotide variant.
Coding change: c.6927C>G on transcript NM_001371986.1 (MANE Select); coding-DNA position 6927, C replaced by G.
Protein change: p.Asp2309Glu; replaces aspartic acid 2309 with glutamic acid.
Molecular consequence: missense variant.
Genome position (GRCh38, 1-based): chr2:209,943,391, C>G. VCF-style: chr2-209943391-C-G. GRCh37 (hg19) VCF-style: chr2-210808115-C-G.
Other names: c.6729C>G, p.Asp2243Glu (NM_032504.2); c.6714C>G, p.Asp2238Glu (NM_182587.4); short protein forms D2238E, D2243E, D2309E.
Identifiers: ClinVar variation 1445784 (VCV001445784.8), dbSNP rs2091747405, ClinGen allele CA350773368.

ClinVar aggregate classification (germline): Uncertain significance (1 of 4 stars; one submission).

Allele frequency attached by ClinVar (database versions not stated): TOPMed below 0.00001; gnomAD 0.00001; 1000 Genomes Project 30x 0.00016.
gnomAD v4.1: 1 of 1,552,188 alleles (0.000064%); highest among the groups gnomAD compares: Admixed American, 0.002%; no homozygotes.

Submission:

Labcorp Genetics (formerly Invitae), Labcorp
Classification: Uncertain significance. Last evaluated: 2022-02-05. Review status: criteria provided, single submitter. Criteria: Invitae Variant Classification Sherloc (09022015). Collection method: clinical testing. Allele origin: germline.
Comment: In summary, the available evidence is currently insufficient to determine the role of this variant in disease. Therefore, it has been classified as a Variant of Uncertain Significance. Algorithms developed to predict the effect of sequence changes on RNA splicing suggest that this variant may create or strengthen a splice site. Algorithms developed to predict the effect of missense changes on protein structure and function are either unavailable or do not agree on the potential impact of this missense change (SIFT: "Not Available"; PolyPhen-2: "Probably Damaging"; Align-GVGD: "Not Available"). This variant has not been reported in the literature in individuals affected with UNC80-related conditions. This variant is not present in population databases (gnomAD no frequency). This sequence change replaces aspartic acid, which is acidic and polar, with glutamic acid, which is acidic and polar, at codon 2243 of the UNC80 protein (p.Asp2243Glu).